The following is an entry in ClinVar:

ClinVar aggregate classification (germline): Conflicting classifications of pathogenicity. Review status: criteria provided, conflicting classifications (1 of 4 stars). 7 submissions from 7 submitters: Likely pathogenic (1); Uncertain significance (6). Last evaluated 2025-12-10.

Conditions:
Cardiovascular phenotype. Identifiers: MedGen CN230736.
Arrhythmogenic right ventricular cardiomyopathy (ARVD). Also called: Cardiomyopathy, ARVC; Arrhythmogenic right ventricular dysplasia; Arrhythmogenic cardiomyopathy; Arrhythmogenic Right Ventricular Cardiomyopathy (ARVC). Identifiers: Orphanet 247, MedGen C0349788, MeSH D019571, MONDO:0016587. Disease mechanism: loss of function. Inheritance: Various modes of inheritance.
Arrhythmogenic right ventricular dysplasia 9 (ARVD9). Also called: Arrhythmogenic Right Ventricular Dysplasia/Cardiomyopathy 9; ARRHYTHMOGENIC RIGHT VENTRICULAR DYSPLASIA, FAMILIAL, 9. Identifiers: MedGen C1836906, MONDO:0012180, OMIM 609040.

Allele frequency attached by ClinVar (database versions not stated): gnomAD exomes 0.00001; TOPMed 0.00001; ExAC 0.00001; gnomAD 0.00001.
gnomAD v4.1: 14 of 1,613,864 alleles (0.00087%); highest among the groups gnomAD compares: East Asian, 0.0045%; no homozygotes.

Submissions (7):

Labcorp Genetics (formerly Invitae), Labcorp
Classification: Uncertain significance for Arrhythmogenic right ventricular dysplasia 9. Last evaluated: 2025-12-10. Review status: criteria provided, single submitter. Criteria: Invitae Variant Classification Sherloc (09022015). Collection method: clinical testing. Allele origin: germline.
Comment: This sequence change replaces arginine, which is basic and polar, with glutamine, which is neutral and polar, at codon 635 of the PKP2 protein (p.Arg635Gln). This variant is present in population databases (rs755076586, gnomAD 0.003%). This missense change has been observed in individual(s) with clinical features of Brugada syndrome (PMID: 24352520). ClinVar contains an entry for this variant (Variation ID: 1505869). An algorithm developed to predict the effect of missense changes on protein structure and function outputs the following: PolyPhen-2: "Benign". The glutamine amino acid residue is found in multiple mammalian species, which suggests that this missense change does not adversely affect protein function. Experimental studies have shown that this missense change affects PKP2 function (PMID: 24352520). In summary, the available evidence is currently insufficient to determine the role of this variant in disease. Therefore, it has been classified as a Variant of Uncertain Significance.

Ambry Genetics
Classification: Uncertain significance for Cardiovascular phenotype. Last evaluated: 2024-07-10. Review status: criteria provided, single submitter. Criteria: Ambry Variant Classification Scheme 2023. Collection method: clinical testing. Allele origin: germline.
Comment: The p.R635Q variant (also known as c.1904G>A), located in coding exon 9 of the PKP2 gene, results from a G to A substitution at nucleotide position 1904. The arginine at codon 635 is replaced by glutamine, an amino acid with highly similar properties. This alteration has been reported in Brugada syndrome and whole exome sequencing cohorts (Cerrone M et al. Circulation, 2014 Mar;129:1092-103; Haggerty CM et al. Genet Med, 2017 11;19:1245-1252). This amino acid position is well conserved in available vertebrate species. In addition, this alteration is predicted to be tolerated by in silico analysis. Since supporting evidence is limited at this time, the clinical significance of this alteration remains unclear.

All of Us Research Program, National Institutes of Health
Classification: Uncertain significance for Arrhythmogenic right ventricular cardiomyopathy. Last evaluated: 2023-11-30. Review status: criteria provided, single submitter. Criteria: ACMG Guidelines, 2015. Collection method: clinical testing. Allele origin: germline. Inheritance: Autosomal dominant inheritance. Observed: 3 variant alleles, 3 heterozygotes.
Comment: This missense variant replaces arginine with glutamine at codon 635 of the PKP2 protein. Computational prediction suggests that this variant may not impact protein structure and function (internally defined REVEL score threshold <= 0.5, PMID: 27666373). An in vitro functional study has shown that this variant causes sodium current deficit (PMID 24352520). This variant has been reported in an individual affected with Brugada syndrome and it has been shown that this variant segregates with disease in another two relatives in the family (PMID 24352520). This variant has been identified in 2/251310 chromosomes in the general population by the Genome Aggregation Database (gnomAD). The available evidence is insufficient to determine the role of this variant in disease conclusively. Therefore, this variant is classified as a Variant of Uncertain Significance.

This study involves interpretation of variants in research participants for the purpose of population health screening. Participant phenotype was not available at the time of variant classification. Additional details can be found in publication PMID: 35346344, PMCID: PMC8962531

GeneDx
Classification: Uncertain significance. Last evaluated: 2022-10-28. Review status: criteria provided, single submitter. Criteria: GeneDx Variant Classification Process June 2021. Collection method: clinical testing. Allele origin: germline. Affected: yes.
Comment: Not observed at significant frequency in large population cohorts (gnomAD); In silico analysis supports that this missense variant does not alter protein structure/function; Published functional studies suggest a damaging effect on sodium channel compared to wildtype (Cerrone et al., 2014); This variant is associated with the following publications: (PMID: 30662450, 30821013, 31402444, 30483629, 33802229, 26987567, 24656989, 25395996, 24352520)

Mendelics
Classification: Uncertain significance. Last evaluated: 2022-05-04. Review status: criteria provided, single submitter. Criteria: Mendelics Assertion Criteria 2019. Collection method: clinical testing. Allele origin: germline.

Fulgent Genetics
Classification: Uncertain significance for Arrhythmogenic right ventricular dysplasia 9. Last evaluated: 2021-09-18. Review status: criteria provided, single submitter. Criteria: ACMG Guidelines, 2015. Collection method: clinical testing. Allele origin: unknown.

National Institute of Allergy and Infectious Diseases - Centralized Sequencing Program, National Institutes of Health
Classification: Likely pathogenic for Arrhythmogenic right ventricular dysplasia. Last evaluated: 2021-08-06. Review status: criteria provided, single submitter. Criteria: ACMG Guidelines, 2015. Collection method: clinical testing. Allele origin: germline. Affected: no.

Literature cited by the submitters: PubMed 24352520 (cited by Labcorp Genetics (formerly Invitae), Labcorp and Ambry Genetics); PubMed 28471438 (cited by Ambry Genetics).

NM_001005242.3(PKP2):c.1772G>A (p.Arg591Gln)

Gene: PKP2 (plakophilin 2; minus strand). Cytogenetic location: 12p11.21.
Variant type: single nucleotide variant.
Coding change: c.1772G>A on transcript NM_001005242.3 (MANE Select); coding-DNA position 1772, G replaced by A.
Protein change: p.Arg591Gln; replaces arginine 591 with glutamine.
Molecular consequence: missense variant.
Genome position (GRCh38, 1-based): chr12:32,822,534, C>T on the plus strand (G>A on the coding strand, the complement: PKP2 is on the minus strand). VCF-style: chr12-32822534-C-T. GRCh37 (hg19) VCF-style: chr12-32975468-C-T.
Other names: c.1904G>A, p.Arg635Gln (NM_004572.4); short protein forms R635Q, R591Q.
Identifiers: ClinVar variation 1505869 (VCV001505869.13), dbSNP rs755076586, ClinGen allele CA031352.